The following is an entry in ClinVar:

ClinVar aggregate classification (germline): Benign/Likely benign. Review status: criteria provided, multiple submitters, no conflicts (2 of 4 stars). 6 submissions from 6 submitters: Benign (2); Likely benign (4). Last evaluated 2025-11-21.

Conditions:
Hereditary cancer-predisposing syndrome. Also called: Neoplastic Syndromes, Hereditary; Hereditary Cancer Syndrome; Tumor predisposition; Hereditary neoplastic syndrome. Identifiers: Orphanet 140162, MedGen C0027672, MeSH D009386, MONDO:0015356.
Familial cancer of breast. Also called: Hereditary breast cancer; BREAST CANCER, FAMILIAL; hereditary breast carcinoma. Identifiers: Orphanet 227535, MedGen C0346153, MONDO:0016419, OMIM 114480. Disease mechanism: loss of function.
Ataxia-telangiectasia syndrome (AT). Also called: LOUIS-BAR SYNDROME; Cerebello-oculocutaneous telangiectasia; Immunodeficiency with ataxia telangiectasia; Ataxia-telangiectasia, complementation group D; AT, COMPLEMENTATION GROUP C; Ataxia-telangiectasia, complementation group E. Identifiers: Orphanet 100, MedGen C0004135, MONDO:0008840, OMIM 208900.

Allele frequency attached by ClinVar (database versions not stated): gnomAD exomes below 0.00001 and 0.00001; TOPMed 0.00001.
gnomAD v4.1: 9 of 1,613,670 alleles (0.00056%); highest among the groups gnomAD compares: East Asian, 0.0022%; no homozygotes.

Submissions (6):

Labcorp Genetics (formerly Invitae), Labcorp
Classification: Likely benign for Ataxia-telangiectasia syndrome. Last evaluated: 2025-11-21. Review status: criteria provided, single submitter. Criteria: Invitae Variant Classification Sherloc (09022015). Collection method: clinical testing. Allele origin: germline.

Myriad Genetics, Inc.
Classification: Benign for Familial cancer of breast. Last evaluated: 2024-06-20. Review status: criteria provided, single submitter. Criteria: Myriad Autosomal Dominant, Autosomal Recessive and X-Linked Classification Criteria (2023). Collection method: clinical testing. Allele origin: unknown.
Comment: This variant is considered benign. This variant is a silent/synonymous amino acid change and it is not expected to impact splicing.

Women's Health and Genetics/Laboratory Corporation of America, LabCorp
Classification: Likely benign. Last evaluated: 2023-11-25. Review status: criteria provided, single submitter. Criteria: LabCorp Variant Classification Summary - May 2015. Collection method: clinical testing. Allele origin: germline.

Color Diagnostics, LLC DBA Color Health
Classification: Likely benign for Hereditary cancer-predisposing syndrome. Last evaluated: 2016-11-04. Review status: criteria provided, single submitter. Criteria: ACMG Guidelines, 2015. Collection method: clinical testing. Allele origin: germline.

Ambry Genetics
Classification: Likely benign for Hereditary cancer-predisposing syndrome. Last evaluated: 2015-11-23. Review status: criteria provided, single submitter. Criteria: Ambry Variant Classification Scheme 2023. Collection method: clinical testing. Allele origin: germline.

GeneDx
Classification: Benign. Last evaluated: 2015-05-28. Review status: criteria provided, single submitter. Criteria: GeneDx Variant Classification Process June 2021. Collection method: clinical testing. Allele origin: germline. Affected: yes.

NM_000051.4(ATM):c.8559G>A (p.Thr2853=)

Genes: ATM (ATM serine/threonine kinase; plus strand), C11orf65 (chromosome 11 open reading frame 65; minus strand). Cytogenetic location: 11q22.3.
Variant type: single nucleotide variant.
Coding change: c.8559G>A on transcript NM_000051.4 (MANE Select); coding-DNA position 8559, G replaced by A.
Protein change: p.Thr2853=; no amino-acid change (threonine 2853 retained).
Molecular consequence: synonymous variant. On other transcripts: intron variant (2).
Genome position (GRCh38, 1-based): chr11:108,345,883, G>A. VCF-style: chr11-108345883-G-A. GRCh37 (hg19) VCF-style: chr11-108216610-G-A.
Other names: c.8559G>A, p.Thr2853= (NM_001351834.2); c.641-36812C>T (NM_001330368.2); c.695-10591C>T (NM_001351110.2).
Identifiers: ClinVar variation 414608 (VCV000414608.22), dbSNP rs368058202, ClinGen allele CA16613168.